The following is an entry in ClinVar:

NM_000350.3(ABCA4):c.2470A>G (p.Ile824Val)

Gene: ABCA4 (ATP binding cassette subfamily A member 4; minus strand). Cytogenetic location: 1p22.1.
Variant type: single nucleotide variant.
Coding change: c.2470A>G on transcript NM_000350.3 (MANE Select); coding-DNA position 2470, A replaced by G.
Protein change: p.Ile824Val; replaces isoleucine 824 with valine.
Molecular consequence: missense variant.
Genome position (GRCh38, 1-based): chr1:94,055,228, T>C on the plus strand (A>G on the coding strand, the complement: ABCA4 is on the minus strand). VCF-style: chr1-94055228-T-C. GRCh37 (hg19) VCF-style: chr1-94520784-T-C.
Other names: c.2248A>G, p.Ile750Val (NM_001425324.1); short protein forms I824V, I750V.
Identifiers: ClinVar variation 1407882 (VCV001407882.9), dbSNP rs1660942758, ClinGen allele CA341277019.

ClinVar aggregate classification (germline): Uncertain significance. Review status: criteria provided, multiple submitters, no conflicts (2 of 4 stars). 2 submissions from 2 submitters: Uncertain significance (2). Last evaluated 2025-10-21.

Allele frequency attached by ClinVar (database versions not stated): gnomAD exomes below 0.00001; gnomAD 0.00001; TOPMed below 0.00001.
gnomAD v4.1: 6 of 1,614,008 alleles (0.00037%); highest among the groups gnomAD compares: Non-Finnish European, 0.00034%; no homozygotes.

Submissions (2):

Dasa
Classification: Uncertain significance. Last evaluated: 2025-10-21. Review status: criteria provided, single submitter. Criteria: DASA Assertion Criteria. Collection method: clinical testing. Allele origin: germline.
Comment: NM_000350.3(ABCA4):c.2470A>G (p.Ile824Val) is a missense variant that results in the substitution of isoleucine with valine. This variant is rare in population databases. The currently available literature and clinical evidence are not sufficient to establish a definitive association between this variant and the reported condition. Therefore, this variant is classified as a variant of uncertain significance.

Labcorp Genetics (formerly Invitae), Labcorp
Classification: Uncertain significance. Last evaluated: 2023-02-27. Review status: criteria provided, single submitter. Criteria: Invitae Variant Classification Sherloc (09022015). Collection method: clinical testing. Allele origin: germline.
Comment: In summary, the available evidence is currently insufficient to determine the role of this variant in disease. Therefore, it has been classified as a Variant of Uncertain Significance. Advanced modeling of protein sequence and biophysical properties (such as structural, functional, and spatial information, amino acid conservation, physicochemical variation, residue mobility, and thermodynamic stability) has been performed at Invitae for this missense variant, however the output from this modeling did not meet the statistical confidence thresholds required to predict the impact of this variant on ABCA4 protein function. This sequence change replaces isoleucine, which is neutral and non-polar, with valine, which is neutral and non-polar, at codon 824 of the ABCA4 protein (p.Ile824Val). This variant is not present in population databases (gnomAD no frequency). ClinVar contains an entry for this variant (Variation ID: 1407882). This variant has not been reported in the literature in individuals affected with ABCA4-related conditions.